The following is an entry in ClinVar:

ClinVar aggregate classification (germline): Pathogenic (1 of 4 stars; one submission).

Submission:

Labcorp Genetics (formerly Invitae), Labcorp
Classification: Pathogenic. Last evaluated: 2023-05-12. Review status: criteria provided, single submitter. Criteria: Invitae Variant Classification Sherloc (09022015). Collection method: clinical testing. Allele origin: germline.
Comment: For these reasons, this variant has been classified as Pathogenic. This variant has not been reported in the literature in individuals affected with LAMB3-related conditions. This variant is not present in population databases (gnomAD no frequency). This sequence change creates a premature translational stop signal (p.Asp905*) in the LAMB3 gene. It is expected to result in an absent or disrupted protein product. Loss-of-function variants in LAMB3 are known to be pathogenic (PMID: 11023379, 16473856).

Literature cited by the submitters: PubMed 11023379; PubMed 16473856.

NM_000228.3(LAMB3):c.2712dup (p.Asp905Ter)

Gene: LAMB3 (laminin subunit beta 3; minus strand). Cytogenetic location: 1q32.2.
Variant type: Duplication.
Coding change: c.2712dup on transcript NM_000228.3 (MANE Select); coding-DNA position 2712, one base duplicated (T; older notation c.2712dupT).
Protein change: p.Asp905Ter; replaces aspartic acid 905 with a stop codon.
Molecular consequence: nonsense.
Genome position (GRCh38, 1-based): chr1:209,618,649, A duplicated on the plus strand (T on the coding strand, the reverse complement: LAMB3 is on the minus strand). VCF-style (leftmost placement, unchanged base first): chr1-209618648-C-CA. GRCh37 (hg19) VCF-style: chr1-209791993-C-CA.
Other names: c.2712dup, p.Asp905Ter (NM_001017402.2, NM_001127641.1); short protein forms D905*.
Identifiers: ClinVar variation 3007675 (VCV003007675.3), dbSNP rs2464764722, ClinGen allele CA2740090489.